The following is an entry in ClinVar:

NM_014043.4(CHMP2B):c.*1376G>C

Gene: CHMP2B (charged multivesicular body protein 2B; plus strand). Cytogenetic location: 3p11.2.
Variant type: single nucleotide variant.
Coding change: c.*1376G>C on transcript NM_014043.4 (MANE Select); 1376 bases downstream of the stop codon, G replaced by C.
Molecular consequence: 3 prime UTR variant.
Genome position (GRCh38, 1-based): chr3:87,255,198, G>C. VCF-style: chr3-87255198-G-C. GRCh37 (hg19) VCF-style: chr3-87304348-G-C.
Other names: c.*1376G>C (NM_001244644.2).
Identifiers: ClinVar variation 346821 (VCV000346821.5), dbSNP rs191203869, ClinGen allele CA10619663.
Genomic context (GRCh38, chr3:87,255,198, plus strand): 5'-GGTGGACATTTTGGGCTAATACTGACAAAATACATCTTAGGACTAGTATACATGTGACAC[G>C]GATTGCTAGGAGGAATGAAAAACTAAACTGTATAGTTTATATTCCGTAAACCATTTTATA-3'

ClinVar aggregate classification (germline): Benign (1 of 4 stars; one submission).

Conditions:
Frontotemporal dementia and/or amyotrophic lateral sclerosis 7 (FTDALS7). Also called: CHMP2B-Related Frontotemporal Dementia-Amyotrophic Lateral Sclerosis; CHMP2B-related frontotemporal dementia; AMYOTROPHIC LATERAL SCLEROSIS, CHMP2B-RELATED; Amyotrophic lateral sclerosis 17. Identifiers: Orphanet 275864, Orphanet 282, Orphanet 803, MedGen C1833296, MONDO:0010936, OMIM 600795.

Allele frequency attached by ClinVar (database versions not stated): TOPMed 0.00029; 1000 Genomes Project 30x 0.00078; 1000 Genomes Project 0.00100.
gnomAD v4.1: 30 of 152,178 alleles (0.02%); highest among the groups gnomAD compares: East Asian, 0.56%; no homozygotes.

Submission:

Illumina Laboratory Services, Illumina
Classification: Benign for Frontotemporal dementia and/or amyotrophic lateral sclerosis 7. Last evaluated: 2018-01-12. Review status: criteria provided, single submitter. Criteria: ICSL Variant Classification Criteria 13 December 2019. Collection method: clinical testing. Allele origin: germline.
Comment: This variant was observed in the ICSL laboratory as part of a predisposition screen in an ostensibly healthy population. It had not been previously curated by ICSL or reported in the Human Gene Mutation Database (HGMD: prior to June 1st, 2018), and was therefore a candidate for classification through an automated scoring system. Utilizing variant allele frequency, disease prevalence and penetrance estimates, and inheritance mode, an automated score was calculated to assess if this variant is too frequent to cause the disease. Based on the score and internal cut-off values, a variant classified as benign is not then subjected to further curation. The score for this variant resulted in a classification of benign for this disease.